The following is an entry in ClinVar:

ClinVar aggregate classification (germline): Uncertain significance. Review status: criteria provided, multiple submitters, no conflicts (2 of 4 stars). 2 submissions from 2 submitters: Uncertain significance (2). Last evaluated 2025-10-02.

Conditions:
Inborn genetic diseases. Identifiers: MedGen C0950123, MeSH D030342.

Submissions (2):

Ambry Genetics
Classification: Uncertain significance for Inborn genetic diseases. Last evaluated: 2025-10-02. Review status: criteria provided, single submitter. Criteria: Ambry Variant Classification Scheme 2023. Collection method: clinical testing. Allele origin: germline.

Labcorp Genetics (formerly Invitae), Labcorp
Classification: Uncertain significance. Last evaluated: 2025-05-07. Review status: criteria provided, single submitter. Criteria: Invitae Variant Classification Sherloc (09022015). Collection method: clinical testing. Allele origin: germline.
Comment: This sequence change replaces glycine, which is neutral and non-polar, with serine, which is neutral and polar, at codon 99 of the COMP protein (p.Gly99Ser). This variant is not present in population databases (gnomAD no frequency). This variant has not been reported in the literature in individuals affected with COMP-related conditions. Invitae Evidence Modeling of protein sequence and biophysical properties (such as structural, functional, and spatial information, amino acid conservation, physicochemical variation, residue mobility, and thermodynamic stability) indicates that this missense variant is not expected to disrupt COMP protein function with a negative predictive value of 80%. In summary, the available evidence is currently insufficient to determine the role of this variant in disease. Therefore, it has been classified as a Variant of Uncertain Significance.

NM_000095.3(COMP):c.295G>A (p.Gly99Ser)

Gene: COMP (cartilage oligomeric matrix protein; minus strand). Cytogenetic location: 19p13.11.
Variant type: single nucleotide variant.
Coding change: c.295G>A on transcript NM_000095.3 (MANE Select); coding-DNA position 295, G replaced by A.
Protein change: p.Gly99Ser; replaces glycine 99 with serine.
Molecular consequence: missense variant.
Genome position (GRCh38, 1-based): chr19:18,790,037, C>T on the plus strand (G>A on the coding strand, the complement: COMP is on the minus strand). VCF-style: chr19-18790037-C-T. GRCh37 (hg19) VCF-style: chr19-18900846-C-T.
Other names: short protein forms G99S.
Identifiers: ClinVar variation 4616369 (VCV004616369.2).